The following is an entry in ClinVar:

ClinVar aggregate classification (germline): Uncertain significance. Review status: criteria provided, multiple submitters, no conflicts (2 of 4 stars). 2 submissions from 2 submitters: Uncertain significance (2). Last evaluated 2022-12-29.

Conditions:
Tuberous sclerosis 1 (TSC1). Identifiers: Orphanet 805, MedGen C1854465, MONDO:0008612, OMIM 191100.

Submissions (2):

GeneDx
Classification: Uncertain significance. Last evaluated: 2022-12-29. Review status: criteria provided, single submitter. Criteria: GeneDx Variant Classification Process June 2021. Collection method: clinical testing. Allele origin: germline. Affected: yes.
Comment: Not observed at significant frequency in large population cohorts (gnomAD); In silico analysis supports that this missense variant does not alter protein structure/function; Has not been previously published as pathogenic or benign to our knowledge; This variant is associated with the following publications: (PMID: 18466115)

Labcorp Genetics (formerly Invitae), Labcorp
Classification: Uncertain significance for Tuberous sclerosis 1. Last evaluated: 2017-01-31. Review status: criteria provided, single submitter. Criteria: Invitae Variant Classification Sherloc (09022015). Collection method: clinical testing. Allele origin: germline.
Comment: Algorithms developed to predict the effect of missense changes on protein structure and function do not agree on the potential impact of this missense change (SIFT: "Deleterious"; PolyPhen-2: "Benign"; Align-GVGD: "Class C0"). This variant is not present in population databases (ExAC no frequency) and has not been reported in the literature in individuals with a TSC1-related disease. In summary, this variant is a novel missense change with uncertain impact on protein function. It has been classified as a Variant of Uncertain Significance. This sequence change replaces alanine with valine at codon 989 of the TSC1 protein (p.Ala989Val). The alanine residue is moderately conserved and there is a small physicochemical difference between alanine and valine.

NM_000368.5(TSC1):c.2966C>T (p.Ala989Val)

Gene: TSC1 (TSC complex subunit 1; minus strand). Cytogenetic location: 9q34.13.
Variant type: single nucleotide variant.
Coding change: c.2966C>T on transcript NM_000368.5 (MANE Select); coding-DNA position 2966, C replaced by T.
Protein change: p.Ala989Val; replaces alanine 989 with valine.
Molecular consequence: missense variant.
Genome position (GRCh38, 1-based): chr9:132,897,193, G>A on the plus strand (C>T on the coding strand, the complement: TSC1 is on the minus strand). VCF-style: chr9-132897193-G-A. GRCh37 (hg19) VCF-style: chr9-135772580-G-A.
Other names: c.2963C>T, p.Ala988Val (NM_001162426.2); c.2813C>T, p.Ala938Val (NM_001162427.2); c.2603C>T, p.Ala868Val (NM_001362177.2); short protein forms A989V, A988V, A868V, A938V.
Identifiers: ClinVar variation 466106 (VCV000466106.9), dbSNP rs1554813219, ClinGen allele CA375368233.